The following is an entry in ClinVar:

ClinVar aggregate classification (germline): Uncertain significance (1 of 4 stars; one submission).

Submission:

Women's Health and Genetics/Laboratory Corporation of America, LabCorp
Classification: Uncertain significance. Last evaluated: 2024-04-09. Review status: criteria provided, single submitter. Criteria: LabCorp Variant Classification Summary - May 2015. Collection method: clinical testing. Allele origin: germline.
Comment: Variant summary: LMNB2 c.1737G>T (p.Lys579Asn) results in a non-conservative amino acid change located in the Lamin tail domain (IPR001322) of the encoded protein sequence. Two of four in-silico tools predict a benign effect of the variant on protein function. The variant was absent in 251456 control chromosomes. The available data on variant occurrences in the general population are insufficient to allow any conclusion about variant significance. To our knowledge, no occurrence of c.1737G>T in individuals affected with LMNB2-Related Disorders and no experimental evidence demonstrating its impact on protein function have been reported. No submitters have cited clinical-significance assessments for this variant to ClinVar. Based on the evidence outlined above, the variant was classified as uncertain significance.

NM_032737.4(LMNB2):c.1737G>T (p.Lys579Asn)

Gene: LMNB2 (lamin B2; minus strand). Cytogenetic location: 19p13.3.
Variant type: single nucleotide variant.
Coding change: c.1737G>T on transcript NM_032737.4 (MANE Select); coding-DNA position 1737, G replaced by T.
Protein change: p.Lys579Asn; replaces lysine 579 with asparagine.
Molecular consequence: missense variant.
Genome position (GRCh38, 1-based): chr19:2,431,632, C>A on the plus strand (G>T on the coding strand, the complement: LMNB2 is on the minus strand). VCF-style: chr19-2431632-C-A. GRCh37 (hg19) VCF-style: chr19-2431630-C-A.
Other names: short protein forms K579N.
Identifiers: ClinVar variation 3251401 (VCV003251401.1), dbSNP rs150787379.